The following is an entry in ClinVar:

NM_145199.3(LIPT1):c.565T>C (p.Leu189=)

Genes: MITD1 (microtubule interacting and trafficking domain containing 1; minus strand), LIPT1 (lipoyltransferase 1; plus strand). Cytogenetic location: 2q11.2.
Variant type: single nucleotide variant.
Coding change: c.565T>C on transcript NM_145199.3 (MANE Select); coding-DNA position 565, T replaced by C.
Protein change: p.Leu189=; no amino-acid change (leucine 189 retained).
Molecular consequence: synonymous variant. On other transcripts: non-coding transcript variant (2).
Genome position (GRCh38, 1-based): chr2:99,162,522, T>C. VCF-style: chr2-99162522-T-C. GRCh37 (hg19) VCF-style: chr2-99778985-T-C.
Other names: c.565T>C, p.Leu189= (NM_001204830.2, NM_015929.4, NM_145197.3 and 1 more transcripts).
Identifiers: ClinVar variation 379991 (VCV000379991.13), dbSNP rs2632277, ClinGen allele CA1797343.

ClinVar aggregate classification (germline): Benign. Review status: criteria provided, multiple submitters, no conflicts (2 of 4 stars). 4 submissions from 4 submitters: Benign (4). Last evaluated 2026-02-03.

Conditions:
Lipoyl transferase 1 deficiency. Also called: Lipoyltransferase 1 deficiency. Identifiers: Orphanet 401862, MedGen C4225379, MONDO:0014576, OMIM 616299.

Allele frequency attached by ClinVar (database versions not stated): ESP Exome Variant Server 0.55905; gnomAD 0.56210 and 0.56954; TOPMed 0.56616; 1000 Genomes Project 30x 0.58651; 1000 Genomes Project 0.59485; ExAC 0.61265; gnomAD exomes 0.61512 and 0.63243.
gnomAD v4.1: 1,011,103 of 1,613,700 alleles (63%); highest among the groups gnomAD compares: East Asian, 88%; 321,040 homozygotes.

Submissions (4):

Labcorp Genetics (formerly Invitae), Labcorp
Classification: Benign. Last evaluated: 2026-02-03. Review status: criteria provided, single submitter. Criteria: Invitae Variant Classification Sherloc (09022015). Collection method: clinical testing. Allele origin: germline.

Genome-Nilou Lab
Classification: Benign for Lipoyl transferase 1 deficiency. Last evaluated: 2021-08-19. Review status: criteria provided, single submitter. Criteria: ACMG Guidelines, 2015. Collection method: clinical testing. Allele origin: germline. Affected: no.

GeneDx
Classification: Benign. Last evaluated: 2015-12-02. Review status: criteria provided, single submitter. Criteria: GeneDx Variant Classification (06012015). Collection method: clinical testing. Allele origin: germline. Affected: yes.
Comment: This variant is considered likely benign or benign based on one or more of the following criteria: it is a conservative change, it occurs at a poorly conserved position in the protein, it is predicted to be benign by multiple in silico algorithms, and/or has population frequency not consistent with disease.

Breakthrough Genomics
Classification: Benign. Review status: criteria provided, single submitter. Criteria: ACMG Guidelines, 2015. Collection method: not provided. Allele origin: germline. Inheritance: Autosomal recessive inheritance. Affected: yes.